The following is an entry in ClinVar:

NM_144596.4(TTC8):c.69C>T (p.Cys23=)

Gene: TTC8 (tetratricopeptide repeat domain 8; plus strand). Cytogenetic location: 14q31.3.
Variant type: single nucleotide variant.
Coding change: c.69C>T on transcript NM_144596.4 (MANE Select); coding-DNA position 69, C replaced by T.
Protein change: p.Cys23=; no amino-acid change (cysteine 23 retained).
Molecular consequence: synonymous variant. On other transcripts: 5 prime UTR variant (2), non-coding transcript variant (1).
Genome position (GRCh38, 1-based): chr14:88,824,776, C>T. VCF-style: chr14-88824776-C-T. GRCh37 (hg19) VCF-style: chr14-89291120-C-T.
Other names: c.69C>T, p.Cys23= (NM_001288781.1, NM_001366535.2, NM_001366536.2 and 2 more transcripts); c.-494C>T (NM_001288782.1); c.-589C>T (NM_001288783.1); c.69C>T (NM_144596.3).
Identifiers: ClinVar variation 1543305 (VCV001543305.9), dbSNP rs749406406, ClinGen allele CA7302314.

ClinVar aggregate classification (germline): Likely benign. Review status: criteria provided, multiple submitters, no conflicts (2 of 4 stars). 2 submissions from 2 submitters: Likely benign (2). Last evaluated 2026-06-09.

Conditions:
TTC8-related disorder. Also called: TTC8-related condition.
Bardet-Biedl syndrome (BBS). Identifiers: Orphanet 110, MedGen C0752166, MONDO:0015229.

Allele frequency attached by ClinVar (database versions not stated): gnomAD exomes below 0.00001; ExAC 0.00001.
gnomAD v4.1: 3 of 1,613,334 alleles (0.00019%); highest among the groups gnomAD compares: Admixed American, 0.005%; no homozygotes.

Submissions (2):

PreventionGenetics, part of Exact Sciences
Classification: Likely benign for TTC8-related condition. Last evaluated: 2026-06-09. Review status: criteria provided, single submitter. Criteria: ACMG Guidelines, 2015. Collection method: clinical testing. Allele origin: germline.
Comment: This variant is classified as likely benign based on ACMG/AMP sequence variant interpretation guidelines (Richards et al. 2015 PMID: 25741868, with internal and published modifications).

Labcorp Genetics (formerly Invitae), Labcorp
Classification: Likely benign for Bardet-Biedl syndrome. Last evaluated: 2024-01-29. Review status: criteria provided, single submitter. Criteria: Invitae Variant Classification Sherloc (09022015). Collection method: clinical testing. Allele origin: germline.